The following is an entry in ClinVar:

ClinVar aggregate classification (germline): Benign/Likely benign. Review status: criteria provided, multiple submitters, no conflicts (2 of 4 stars). 8 submissions from 7 submitters: Benign (5); Likely benign (3). Last evaluated 2026-05-01.

Conditions:
Inborn genetic diseases. Identifiers: MedGen C0950123, MeSH D030342.
Early-infantile DEE. Also called: Ohtahara syndrome; Early infantile epileptic encephalopathy with suppression bursts; Early infantile epileptic encephalopathy. Identifiers: Orphanet 1934, MedGen C0393706, MONDO:0800491.
Migraine, familial hemiplegic, 3. Identifiers: Orphanet 569, MedGen C1864987, MONDO:0012320, OMIM 609634.
Generalized epilepsy with febrile seizures plus, type 2 (GEFSP2). Also called: GEFS+, TYPE 2. Identifiers: Orphanet 36387, MedGen C1858673, MONDO:0011461, OMIM 604403.

Allele frequency attached by ClinVar (database versions not stated): gnomAD exomes 0.00010 and 0.00034; ExAC 0.00042; ESP Exome Variant Server 0.00123; TOPMed 0.00130; gnomAD 0.00150 and 0.00159; 1000 Genomes Project 0.00220; 1000 Genomes Project 30x 0.00250.
gnomAD v4.1: 372 of 1,610,484 alleles (0.023%); highest among the groups gnomAD compares: African/African-American, 0.46%; 1 homozygote.

Submissions (8):

CeGaT Center for Human Genetics Tuebingen
Classification: Likely benign. Last evaluated: 2026-05-01. Review status: criteria provided, single submitter. Criteria: CeGaT Center For Human Genetics Tuebingen Variant Classification Criteria Version 2. Collection method: clinical testing. Allele origin: germline. Affected: yes. Observed: 1 variant allele.
Comment: SCN1A: BP4, BP7, BS1

Labcorp Genetics (formerly Invitae), Labcorp
Classification: Benign for Early-infantile DEE. Last evaluated: 2026-01-19. Review status: criteria provided, single submitter. Criteria: Invitae Variant Classification Sherloc (09022015). Collection method: clinical testing. Allele origin: germline.

Illumina Laboratory Services, Illumina
Classification: Benign for Migraine, familial hemiplegic, 3. Last evaluated: 2018-01-12. Review status: criteria provided, single submitter. Criteria: ICSL Variant Classification Criteria 13 December 2019. Collection method: clinical testing. Allele origin: germline.
Comment: This variant was observed in the ICSL laboratory as part of a predisposition screen in an ostensibly healthy population. It had not been previously curated by ICSL or reported in the Human Gene Mutation Database (HGMD: prior to June 1st, 2018), and was therefore a candidate for classification through an automated scoring system. Utilizing variant allele frequency, disease prevalence and penetrance estimates, and inheritance mode, an automated score was calculated to assess if this variant is too frequent to cause the disease. Based on the score and internal cut-off values, a variant classified as benign is not then subjected to further curation. The score for this variant resulted in a classification of benign for this disease.

Illumina Laboratory Services, Illumina
Classification: Likely benign for Generalized epilepsy with febrile seizures plus, type 2. Last evaluated: 2018-01-12. Review status: criteria provided, single submitter. Criteria: ICSL Variant Classification Criteria 13 December 2019. Collection method: clinical testing. Allele origin: germline.
Comment: This variant was observed in the ICSL laboratory as part of a predisposition screen in an ostensibly healthy population. It had not been previously curated by ICSL or reported in the Human Gene Mutation Database (HGMD: prior to June 1st, 2018), and was therefore a candidate for classification through an automated scoring system. Utilizing variant allele frequency, disease prevalence and penetrance estimates, and inheritance mode, an automated score was calculated to assess if this variant is too frequent to cause the disease. Based on the score and internal cut-off values, a variant classified as likely benign is not then subjected to further curation. The score for this variant resulted in a classification of likely benign for this disease.

Ambry Genetics
Classification: Likely benign for Inborn genetic diseases. Last evaluated: 2017-12-15. Review status: criteria provided, single submitter. Criteria: Ambry Variant Classification Scheme 2023. Collection method: clinical testing. Allele origin: germline.

Athena Diagnostics
Classification: Benign. Last evaluated: 2016-11-29. Review status: criteria provided, single submitter. Criteria: Athena Diagnostics Criteria. Collection method: clinical testing. Allele origin: germline.

Eurofins Ntd Llc (ga)
Classification: Benign. Last evaluated: 2015-05-28. Review status: criteria provided, single submitter. Criteria: EGL Classification Definitions 2015. Collection method: clinical testing. Allele origin: germline. Observed: 3 variant alleles, 3 heterozygotes.

GeneDx
Classification: Benign. Last evaluated: 2013-12-09. Review status: criteria provided, single submitter. Criteria: GeneDx Variant Classification (06012015). Collection method: clinical testing. Allele origin: germline. Affected: yes.
Comment: This variant is considered likely benign or benign based on one or more of the following criteria: it is a conservative change, it occurs at a poorly conserved position in the protein, it is predicted to be benign by multiple in silico algorithms, and/or has population frequency not consistent with disease.

NM_001165963.4(SCN1A):c.3804T>C (p.Leu1268=)

Genes: SCN1A (sodium voltage-gated channel alpha subunit 1; minus strand), LOC102724058 (uncharacterized LOC102724058; plus strand). Cytogenetic location: 2q24.3.
Variant type: single nucleotide variant.
Coding change: c.3804T>C on transcript NM_001165963.4 (MANE Select); coding-DNA position 3804, T replaced by C.
Protein change: p.Leu1268=; no amino-acid change (leucine 1268 retained).
Molecular consequence: synonymous variant. On other transcripts: non-coding transcript variant (1).
Genome position (GRCh38, 1-based): chr2:166,012,184, A>G on the plus strand (T>C on the coding strand, the complement: SCN1A is on the minus strand). VCF-style: chr2-166012184-A-G. GRCh37 (hg19) VCF-style: chr2-166868694-A-G.
Other names: p.L1268L:CTT>CTC; c.3720T>C, p.Leu1240= (NM_001165964.3, NM_001353957.2, NM_001353958.2); c.3804T>C, p.Leu1268= (NM_001202435.3, NM_001353948.2); c.3771T>C, p.Leu1257= (NM_001353949.2, NM_001353950.2, NM_001353951.2 and 2 more transcripts); c.3768T>C, p.Leu1256= (NM_001353954.2, NM_001353955.2); c.3717T>C, p.Leu1239= (NM_001353960.2); c.1362T>C, p.Leu454= (NM_001353961.2).
Identifiers: ClinVar variation 93646 (VCV000093646.22), dbSNP rs143980709, ClinGen allele CA302676.